The following is an entry in ClinVar:

NM_000179.3(MSH6):c.999C>G (p.Thr333=)

Gene: MSH6 (mutS homolog 6; plus strand). Cytogenetic location: 2p16.3.
Variant type: single nucleotide variant.
Coding change: c.999C>G on transcript NM_000179.3 (MANE Select); coding-DNA position 999, C replaced by G.
Protein change: p.Thr333=; no amino-acid change (threonine 333 retained).
Molecular consequence: synonymous variant.
Genome position (GRCh38, 1-based): chr2:47,798,982, C>G. VCF-style: chr2-47798982-C-G. GRCh37 (hg19) VCF-style: chr2-48026121-C-G.
Other names: c.609C>G, p.Thr203= (NM_001281492.2); c.93C>G, p.Thr31= (NM_001281493.2, NM_001281494.2).
Identifiers: ClinVar variation 763438 (VCV000763438.11), dbSNP rs1572721207, ClinGen allele CA426120733.

ClinVar aggregate classification (germline): Likely benign. Review status: criteria provided, multiple submitters, no conflicts (2 of 4 stars). 2 submissions from 2 submitters: Likely benign (2). Last evaluated 2024-08-13.

Conditions:
Lynch syndrome. Identifiers: Orphanet 144, MedGen C4552100, MONDO:0005835. Disease mechanism: loss of function.
Hereditary nonpolyposis colorectal neoplasms. Identifiers: MedGen C0009405, MeSH D003123.

Submissions (2):

All of Us Research Program, National Institutes of Health
Classification: Likely benign for Lynch syndrome. Last evaluated: 2024-08-13. Review status: criteria provided, single submitter. Criteria: ACMG Guidelines, 2015. Collection method: clinical testing. Allele origin: germline. Inheritance: Autosomal dominant inheritance. Observed: 1 variant allele, 1 heterozygote.
Comment: This study involves interpretation of variants in research participants for the purpose of population health screening. Participant phenotype was not available at the time of variant classification. Additional details can be found in publication PMID: 35346344, PMCID: PMC8962531

Labcorp Genetics (formerly Invitae), Labcorp
Classification: Likely benign for Hereditary nonpolyposis colorectal neoplasms. Last evaluated: 2018-06-01. Review status: criteria provided, single submitter. Criteria: Invitae Variant Classification Sherloc (09022015). Collection method: clinical testing. Allele origin: germline.